The following is an entry in ClinVar:

NM_024422.6(DSC2):c.2157T>C (p.Ser719=)

Gene: DSC2 (desmocollin 2; minus strand). Cytogenetic location: 18q12.1.
Variant type: single nucleotide variant.
Coding change: c.2157T>C on transcript NM_024422.6 (MANE Select); coding-DNA position 2157, T replaced by C.
Protein change: p.Ser719=; no amino-acid change (serine 719 retained).
Molecular consequence: synonymous variant.
Genome position (GRCh38, 1-based): chr18:31,070,819, A>G on the plus strand (T>C on the coding strand, the complement: DSC2 is on the minus strand). VCF-style: chr18-31070819-A-G. GRCh37 (hg19) VCF-style: chr18-28650785-A-G.
Other names: c.2157T>C, p.Ser719= (NM_004949.5).
Identifiers: ClinVar variation 377803 (VCV000377803.13), dbSNP rs985629599, ClinGen allele CA16607902.

ClinVar aggregate classification (germline): Likely benign. Review status: criteria provided, multiple submitters, no conflicts (2 of 4 stars). 5 submissions from 5 submitters: Likely benign (5). Last evaluated 2026-01-25.

Conditions:
Arrhythmogenic right ventricular dysplasia 11. Also called: Arrhythmogenic Right Ventricular Dysplasia/Cardiomyopathy11; ARRHYTHMOGENIC RIGHT VENTRICULAR DYSPLASIA, FAMILIAL, 11; Arrhythmogenic right ventricular dysplasia 11 with mild palmoplantar keratoderma and woolly hair. Identifiers: MedGen C1864850, MONDO:0012506, OMIM 610476.
Cardiovascular phenotype. Identifiers: MedGen CN230736.
Cardiomyopathy (CMYO). Also called: Cardiomyopathies. Identifiers: Orphanet 167848, MedGen C0878544, MONDO:0004994, HP:0001638. Inheritance: Various modes of inheritance.

Allele frequency attached by ClinVar (database versions not stated): TOPMed 0.00004; gnomAD exomes below 0.00001; gnomAD 0.00003.
gnomAD v4.1: 9 of 1,613,848 alleles (0.00056%); highest among the groups gnomAD compares: African/African-American, 0.0053%; no homozygotes.

Submissions (5):

Labcorp Genetics (formerly Invitae), Labcorp
Classification: Likely benign for Arrhythmogenic right ventricular dysplasia 11. Last evaluated: 2026-01-25. Review status: criteria provided, single submitter. Criteria: Invitae Variant Classification Sherloc (09022015). Collection method: clinical testing. Allele origin: germline.

Women's Health and Genetics/Laboratory Corporation of America, LabCorp
Classification: Likely benign. Last evaluated: 2025-10-13. Review status: criteria provided, single submitter. Criteria: LabCorp Variant Classification Summary - May 2015. Collection method: clinical testing. Allele origin: germline.

Color Diagnostics, LLC DBA Color Health
Classification: Likely benign for Cardiomyopathy. Last evaluated: 2022-11-06. Review status: criteria provided, single submitter. Criteria: ACMG Guidelines, 2015. Collection method: clinical testing. Allele origin: germline.

Ambry Genetics
Classification: Likely benign for Cardiovascular phenotype. Last evaluated: 2019-11-19. Review status: criteria provided, single submitter. Criteria: Ambry Variant Classification Scheme 2023. Collection method: clinical testing. Allele origin: germline.

GeneDx
Classification: Likely benign. Last evaluated: 2015-10-21. Review status: criteria provided, single submitter. Criteria: GeneDx Variant Classification (06012015). Collection method: clinical testing. Allele origin: germline. Affected: yes.
Comment: This variant is considered likely benign or benign based on one or more of the following criteria: it is a conservative change, it occurs at a poorly conserved position in the protein, it is predicted to be benign by multiple in silico algorithms, and/or has population frequency not consistent with disease.